The following is an entry in ClinVar:

NM_005228.5(EGFR):c.968T>C (p.Val323Ala)

Gene: EGFR (epidermal growth factor receptor; plus strand). Cytogenetic location: 7p11.2.
Variant type: single nucleotide variant.
Coding change: c.968T>C on transcript NM_005228.5 (MANE Select); coding-DNA position 968, T replaced by C.
Protein change: p.Val323Ala; replaces valine 323 with alanine.
Molecular consequence: missense variant.
Genome position (GRCh38, 1-based): chr7:55,155,908, T>C. VCF-style: chr7-55155908-T-C. GRCh37 (hg19) VCF-style: chr7-55223601-T-C.
Other names: c.968T>C (NM_005228.4); c.833T>C, p.Val278Ala (NM_001346897.2, NM_001346899.2); c.968T>C, p.Val323Ala (NM_001346898.2, NM_201282.2, NM_201283.2 and 1 more transcripts); c.809T>C, p.Val270Ala (NM_001346900.2); c.167T>C, p.Val56Ala (NM_001346941.2); short protein forms V323A, V270A, V278A, V56A.
Identifiers: ClinVar variation 837739 (VCV000837739.10), dbSNP rs367680488, ClinGen allele CA4265423.

ClinVar aggregate classification (germline): Conflicting classifications of pathogenicity. Review status: criteria provided, conflicting classifications (1 of 4 stars). 4 submissions from 4 submitters: Uncertain significance (2); Likely benign (2). Last evaluated 2026-02-04.

Conditions:
EGFR-related lung cancer (EGFR). Identifiers: MedGen CN130014.
Inflammatory skin and bowel disease, neonatal, 2 (NNCIS). Identifiers: Orphanet 294023, MedGen C4015130, MONDO:0014481, OMIM 616069.
Lung cancer. Also called: Lung cancer, somatic; Malignant tumor of lung. Identifiers: MedGen C0242379, MONDO:0008903, OMIM 211980.
EGFR-related disorder. Also called: EGFR-related condition.
Hereditary cancer-predisposing syndrome. Also called: Neoplastic Syndromes, Hereditary; Tumor predisposition; Hereditary neoplastic syndrome; Hereditary Cancer Syndrome. Identifiers: Orphanet 140162, MedGen C0027672, MeSH D009386, MONDO:0015356.

Allele frequency attached by ClinVar (database versions not stated): gnomAD exomes 0.00002 and 0.00006; ExAC 0.00007; ESP Exome Variant Server 0.00015; gnomAD 0.00017 and 0.00018; TOPMed 0.00019.
gnomAD v4.1: 48 of 1,613,792 alleles (0.003%); highest among the groups gnomAD compares: African/African-American, 0.044%; no homozygotes.

Submissions (4):

Labcorp Genetics (formerly Invitae), Labcorp
Classification: Uncertain significance for EGFR-related lung cancer. Last evaluated: 2026-02-04. Review status: criteria provided, single submitter. Criteria: Invitae Variant Classification Sherloc (09022015). Collection method: clinical testing. Allele origin: germline.
Comment: This sequence change replaces valine, which is neutral and non-polar, with alanine, which is neutral and non-polar, at codon 323 of the EGFR protein (p.Val323Ala). This variant is present in population databases (rs367680488, gnomAD 0.05%). This variant has not been reported in the literature in individuals affected with EGFR-related conditions. ClinVar contains an entry for this variant (Variation ID: 837739). Invitae Evidence Modeling of protein sequence and biophysical properties (such as structural, functional, and spatial information, amino acid conservation, physicochemical variation, residue mobility, and thermodynamic stability) indicates that this missense variant is not expected to disrupt EGFR protein function with a negative predictive value of 80%. In summary, the available evidence is currently insufficient to determine the role of this variant in disease. Therefore, it has been classified as a Variant of Uncertain Significance.

Ambry Genetics
Classification: Likely benign for Hereditary cancer-predisposing syndrome. Last evaluated: 2024-10-28. Review status: criteria provided, single submitter. Criteria: Ambry Variant Classification Scheme 2023. Collection method: clinical testing. Allele origin: germline.

Fulgent Genetics
Classification: Likely benign for Lung cancer; Inflammatory skin and bowel disease, neonatal, 2. Last evaluated: 2024-03-05. Review status: criteria provided, single submitter. Criteria: ACMG Guidelines, 2015. Collection method: clinical testing. Allele origin: germline.

PreventionGenetics, part of Exact Sciences
Classification: Uncertain significance for EGFR-related condition. Last evaluated: 2023-10-04. Review status: criteria provided, single submitter. Criteria: ACMG Guidelines, 2015. Collection method: clinical testing. Allele origin: germline.
Comment: The EGFR c.968T>C variant is predicted to result in the amino acid substitution p.Val323Ala. To our knowledge, this variant has not been reported in the literature. This variant is reported in 0.060% of alleles in individuals of African descent in gnomAD. It is interpreted as uncertain significance in ClinVar. At this time, the clinical significance of this variant is uncertain due to the absence of conclusive functional and genetic evidence.